The following is an entry in ClinVar:

ClinVar aggregate classification (germline): Conflicting classifications of pathogenicity. Review status: criteria provided, conflicting classifications (1 of 4 stars). 4 submissions from 4 submitters: Pathogenic (1); Likely pathogenic (2); Uncertain significance (1). Last evaluated 2025-09-24.

Conditions:
MYH7-related disorder. Also called: MYH7-related disorders; MYH7-related condition; MYH7-related disease.
Dilated cardiomyopathy 1S (CMD1S). Identifiers: Orphanet 154, Orphanet 54260, MedGen C1834481, MONDO:0013262, OMIM 613426.
Hypertrophic cardiomyopathy. Also called: HYPERTROPHIC MYOCARDIOPATHY. Identifiers: Orphanet 217569, MedGen C0007194, MeSH D002312, MONDO:0005045, HP:0001639.

Submissions (4):

Genesolutions, Medical Genetics Institutes, Ho Chi Minh City, Vietnam
Classification: Pathogenic for Dilated cardiomyopathy 1S. Last evaluated: 2025-09-24. Review status: criteria provided, single submitter. Criteria: ACMG Guidelines, 2015. Collection method: clinical testing. Allele origin: germline. Affected: yes.

Blueprint Genetics
Classification: Likely pathogenic for MYH7-related disorders. Last evaluated: 2023-02-16. Review status: criteria provided, single submitter. Criteria: ACMG Guidelines, 2015. Collection method: clinical testing. Allele origin: germline. Affected: yes. Observed: 3 variant alleles.

3billion
Classification: Likely pathogenic for Dilated cardiomyopathy 1S. Last evaluated: 2022-09-01. Review status: criteria provided, single submitter. Criteria: ACMG Guidelines, 2015. Collection method: clinical testing. Allele origin: germline. Affected: yes. Observed: 1 heterozygote.
Comment: The variant is not observed in the gnomAD v2.1.1 dataset. It is located in a mutational hot spot and/or well-established functional domain in which established pathogenic variants have been reported. In silico tool predictions suggest damaging effect of the variant on gene or gene product (REVEL: 0.93; 3Cnet: 1.00). Same nucleotide change resulting in same amino acid change has been previously reported to be associated with MYH7 -related disorder (PMID: 21750094). A different missense change at the same codon (p.Gln475His) has been reported to be associated with MYH7 -related disorder (PMID: 21750094). Therefore, this variant is classified as Likely pathogenic according to the recommendation of ACMG/AMP guideline.

Labcorp Genetics (formerly Invitae), Labcorp
Classification: Uncertain significance for Hypertrophic cardiomyopathy. Last evaluated: 2021-06-30. Review status: criteria provided, single submitter. Criteria: Invitae Variant Classification Sherloc (09022015). Collection method: clinical testing. Allele origin: germline.
Comment: This sequence change replaces glutamine with lysine at codon 475 of the MYH7 protein (p.Gln475Lys). The glutamine residue is highly conserved and there is a small physicochemical difference between glutamine and lysine. This variant is not present in population databases (ExAC no frequency). This variant has been observed in an individual affected with dilated cardiomyopathy (PMID: 21750094). Algorithms developed to predict the effect of missense changes on protein structure and function are either unavailable or do not agree on the potential impact of this missense change (SIFT: "Deleterious"; PolyPhen-2: "Benign"; Align-GVGD: "Class C45"). This variant is found within a region of MYH7 between codons 181 and 937 that contains the majority of the myosin head domain. Missense variants in this region have been shown to be significantly overrepresented in individuals with hypertrophic cardiomyopathy (PMID: 27532257). In summary, the available evidence is currently insufficient to determine the role of this variant in disease. Therefore, it has been classified as a Variant of Uncertain Significance.

Literature cited by the submitters: PubMed 29300372 (cited by 3billion); PubMed 21750094 (cited by 3billion and Labcorp Genetics (formerly Invitae), Labcorp); PubMed 27532257 (cited by Labcorp Genetics (formerly Invitae), Labcorp).

NM_000257.4(MYH7):c.1423C>A (p.Gln475Lys)

Gene: MYH7 (myosin heavy chain 7; minus strand). Cytogenetic location: 14q11.2.
Variant type: single nucleotide variant.
Coding change: c.1423C>A on transcript NM_000257.4 (MANE Select); coding-DNA position 1423, C replaced by A.
Protein change: p.Gln475Lys; replaces glutamine 475 with lysine.
Molecular consequence: missense variant.
Genome position (GRCh38, 1-based): chr14:23,428,655, G>T on the plus strand (C>A on the coding strand, the complement: MYH7 is on the minus strand). VCF-style: chr14-23428655-G-T. GRCh37 (hg19) VCF-style: chr14-23897864-G-T.
Other names: short protein forms Q475K.
Identifiers: ClinVar variation 570144 (VCV000570144.10), dbSNP rs1566534775, ClinGen allele CA389050638.
Genomic context (GRCh38, chr14:23,428,655, plus strand): 5'-CAAACATGTGGTGGTTGAAGAACTGCTGCAGCTTCTCGTTGGTGAAGTTGATGCAGAGCT[G>T]CTCAAAGCTGTTGAACTGCAGGGGGCATGAGGGGTGGGAGCAGTCAGAAAGTGGGTGTGA-3'
Protein context (NP_000248.2, residues 465-485): FEIFDFNSFE[Gln475Lys]LCINFTNEKL